The following is an entry in ClinVar:

ClinVar aggregate classification (germline): Conflicting classifications of pathogenicity. Review status: criteria provided, conflicting classifications (1 of 4 stars). 6 submissions from 6 submitters: Uncertain significance (4); Likely benign (2). Last evaluated 2025-03-04.

Conditions:
Hereditary cancer-predisposing syndrome. Also called: Tumor predisposition; Neoplastic Syndromes, Hereditary; Hereditary Cancer Syndrome; Hereditary neoplastic syndrome. Identifiers: Orphanet 140162, MedGen C0027672, MeSH D009386, MONDO:0015356.
Ataxia-telangiectasia syndrome (AT). Also called: Cerebello-oculocutaneous telangiectasia; Immunodeficiency with ataxia telangiectasia; ATAXIA-TELANGIECTASIA, COMPLEMENTATION GROUP A; Ataxia-telangiectasia, complementation group D; AT, COMPLEMENTATION GROUP C; ATAXIA-TELANGIECTASIA, FRESNO VARIANT. Identifiers: Orphanet 100, MedGen C0004135, MONDO:0008840, OMIM 208900.

gnomAD v4.1: 2 of 1,614,084 alleles (0.00012%); highest among the groups gnomAD compares: Non-Finnish European, 0.00017%; no homozygotes.

Submissions (6):

Center for Genomic Medicine, Rigshospitalet, Copenhagen University Hospital
Classification: Uncertain significance. Last evaluated: 2025-03-04. Review status: criteria provided, single submitter. Criteria: ACMG Guidelines, 2015. Collection method: clinical testing. Allele origin: germline.

Color Diagnostics, LLC DBA Color Health
Classification: Likely benign for Hereditary cancer-predisposing syndrome. Last evaluated: 2024-09-19. Review status: criteria provided, single submitter. Criteria: ACMG Guidelines, 2015. Collection method: clinical testing. Allele origin: germline.

Labcorp Genetics (formerly Invitae), Labcorp
Classification: Uncertain significance for Ataxia-telangiectasia syndrome. Last evaluated: 2024-08-27. Review status: criteria provided, single submitter. Criteria: Invitae Variant Classification Sherloc (09022015). Collection method: clinical testing. Allele origin: germline.
Comment: This sequence change replaces leucine, which is neutral and non-polar, with methionine, which is neutral and non-polar, at codon 906 of the ATM protein (p.Leu906Met). This variant is not present in population databases (gnomAD no frequency). This variant has not been reported in the literature in individuals affected with ATM-related conditions. ClinVar contains an entry for this variant (Variation ID: 479053). An algorithm developed to predict the effect of missense changes on protein structure and function outputs the following: PolyPhen-2: "Benign". The methionine amino acid residue is found in multiple mammalian species, which suggests that this missense change does not adversely affect protein function. In summary, the available evidence is currently insufficient to determine the role of this variant in disease. Therefore, it has been classified as a Variant of Uncertain Significance.

GeneDx
Classification: Uncertain significance. Last evaluated: 2019-07-03. Review status: criteria provided, single submitter. Criteria: GeneDx Variant Classification Process June 2021. Collection method: clinical testing. Allele origin: germline. Affected: yes.
Comment: Not observed in large population cohorts (Lek et al., 2016); In silico analysis, which includes protein predictors and evolutionary conservation, supports that this variant does not alter protein structure/function; Has not been previously published as pathogenic or benign to our knowledge

PreventionGenetics, part of Exact Sciences
Classification: Uncertain significance. Last evaluated: 2017-10-05. Review status: criteria provided, single submitter. Criteria: ACMG Guidelines, 2015. Collection method: clinical testing. Allele origin: germline.

Ambry Genetics
Classification: Likely benign for Hereditary cancer-predisposing syndrome. Last evaluated: 2016-12-07. Review status: criteria provided, single submitter. Criteria: Ambry Variant Classification Scheme 2023. Collection method: clinical testing. Allele origin: germline.

NM_000051.4(ATM):c.2716T>A (p.Leu906Met)

Gene: ATM (ATM serine/threonine kinase; plus strand). Cytogenetic location: 11q22.3.
Variant type: single nucleotide variant.
Coding change: c.2716T>A on transcript NM_000051.4 (MANE Select); coding-DNA position 2716, T replaced by A.
Protein change: p.Leu906Met; replaces leucine 906 with methionine.
Molecular consequence: missense variant.
Genome position (GRCh38, 1-based): chr11:108,268,487, T>A. VCF-style: chr11-108268487-T-A. GRCh37 (hg19) VCF-style: chr11-108139214-T-A.
Other names: c.2716T>A, p.Leu906Met (NM_001351834.2); short protein forms L906M.
Identifiers: ClinVar variation 479053 (VCV000479053.17), dbSNP rs368047468, ClinGen allele CA382545292.